The following is an entry in ClinVar:

ClinVar aggregate classification (germline): Uncertain significance (1 of 4 stars; one submission).

Conditions:
Neutral lipid storage myopathy (NLSDM). Also called: NEUTRAL LIPID STORAGE DISEASE WITHOUT ICHTHYOSIS. Identifiers: Orphanet 98908, MedGen C1853136, MONDO:0012545, OMIM 610717.

Submission:

Labcorp Genetics (formerly Invitae), Labcorp
Classification: Uncertain significance for Neutral lipid storage myopathy. Last evaluated: 2020-01-19. Review status: criteria provided, single submitter. Criteria: Invitae Variant Classification Sherloc (09022015). Collection method: clinical testing. Allele origin: germline.
Comment: This sequence change falls in intron 6 of the PNPLA2 gene. It does not directly change the encoded amino acid sequence of the PNPLA2 protein, but it affects a nucleotide within the consensus splice site of the intron. The frequency data for this variant in the population databases is considered unreliable, as metrics indicate poor data quality at this position in the ExAC database. This variant has not been reported in the literature in individuals with PNPLA2-related conditions. Nucleotide substitutions within the consensus splice site are a relatively common cause of aberrant splicing (PMID: 17576681, 9536098). Algorithms developed to predict the effect of sequence changes on RNA splicing suggest that this variant may create or strengthen a splice site, but this prediction has not been confirmed by published transcriptional studies. In summary, the available evidence is currently insufficient to determine the role of this variant in disease. Therefore, it has been classified as a Variant of Uncertain Significance.

Literature cited by the submitters: PubMed 17576681; PubMed 9536098.

NM_020376.4(PNPLA2):c.754_757+14dup

Gene: PNPLA2 (patatin like domain 2, triacylglycerol lipase; plus strand). Cytogenetic location: 11p15.5.
Variant type: Duplication.
Coding change: c.754_757+14dup on transcript NM_020376.4 (MANE Select); coding-DNA position 754 through 14 bases into the intron after coding-DNA position 757, 18 bases duplicated (AACGGTGCGCGGACCCGG).
Molecular consequence: splice donor variant.
Genome position (GRCh38, 1-based): chr11:823,584-823,601, AACGGTGCGCGGACCCGG duplicated; duplicating any 18 consecutive bases within chr11:823,581-823,601 gives the same sequence; the c. name uses the placement nearest the transcript's 3' end. VCF-style (leftmost placement, unchanged base first): chr11-823580-G-GCGGAACGGTGCGCGGACC. GRCh37 (hg19) VCF-style: chr11-823580-G-GCGGAACGGTGCGCGGACC.
Identifiers: ClinVar variation 1022779 (VCV001022779.9), dbSNP rs765624116, ClinGen allele CA5791128.